The following is an entry in ClinVar:

NM_001374353.1(GLI2):c.3706C>G (p.Gln1236Glu)

Gene: GLI2 (GLI family zinc finger 2; plus strand). Cytogenetic location: 2q14.2.
Variant type: single nucleotide variant.
Coding change: c.3706C>G on transcript NM_001374353.1 (MANE Select); coding-DNA position 3706, C replaced by G.
Protein change: p.Gln1236Glu; replaces glutamine 1236 with glutamic acid.
Molecular consequence: missense variant.
Genome position (GRCh38, 1-based): chr2:120,989,671, C>G. VCF-style: chr2-120989671-C-G. GRCh37 (hg19) VCF-style: chr2-121747247-C-G.
Other names: c.3757C>G, p.Gln1253Glu (NM_001371271.1, NM_005270.5); c.3331C>G, p.Gln1111Glu (NM_001374354.1); short protein forms Q1111E, Q1236E, Q1253E.
Identifiers: ClinVar variation 2930305 (VCV002930305.3), dbSNP rs758545876, ClinGen allele CA1852476.

ClinVar aggregate classification (germline): Uncertain significance (1 of 4 stars; one submission).

Conditions:
Postaxial polydactyly-anterior pituitary anomalies-facial dysmorphism syndrome. Also called: Culler-Jones syndrome. Identifiers: Orphanet 420584, MedGen C4014479, MONDO:0014369, OMIM 615849.
Holoprosencephaly 9 (HPE9). Also called: HOLOPROSENCEPHALY WITH MICROPHTHALMIA AND FIRST BRANCHIAL ARCH ANOMALIES; PITUITARY ANOMALIES WITH HOLOPROSENCEPHALY-LIKE FEATURES. Identifiers: Orphanet 2162, MedGen C1835819, MONDO:0012563, OMIM 610829.

Allele frequency attached by ClinVar (database versions not stated): gnomAD exomes below 0.00001; ExAC 0.00001; gnomAD 0.00001; TOPMed 0.00001.
gnomAD v4.1: 4 of 1,613,322 alleles (0.00025%); highest among the groups gnomAD compares: Non-Finnish European, 0.00034%; no homozygotes.

Submission:

Labcorp Genetics (formerly Invitae), Labcorp
Classification: Uncertain significance for Postaxial polydactyly-anterior pituitary anomalies-facial dysmorphism syndrome; Holoprosencephaly 9. Last evaluated: 2023-03-01. Review status: criteria provided, single submitter. Criteria: Invitae Variant Classification Sherloc (09022015). Collection method: clinical testing. Allele origin: germline.
Comment: This sequence change replaces glutamine, which is neutral and polar, with glutamic acid, which is acidic and polar, at codon 1253 of the GLI2 protein (p.Gln1253Glu). This variant is present in population databases (rs758545876, gnomAD 0.0009%). This variant has not been reported in the literature in individuals affected with GLI2-related conditions. An algorithm developed to predict the effect of missense changes on protein structure and function (PolyPhen-2) suggests that this variant is likely to be tolerated. In summary, the available evidence is currently insufficient to determine the role of this variant in disease. Therefore, it has been classified as a Variant of Uncertain Significance.